The following is an entry in ClinVar:

NM_198525.3(KIF7):c.3526G>A (p.Gly1176Ser)

Genes: KIF7 (kinesin family member 7; minus strand), LOC126862216 (BRD4-independent group 4 enhancer GRCh37_chr15:90171995-90173194; plus strand). Cytogenetic location: 15q26.1.
Variant type: single nucleotide variant.
Coding change: c.3526G>A on transcript NM_198525.3 (MANE Select); coding-DNA position 3526, G replaced by A.
Protein change: p.Gly1176Ser; replaces glycine 1176 with serine.
Molecular consequence: missense variant.
Genome position (GRCh38, 1-based): chr15:89,629,114, C>T on the plus strand (G>A on the coding strand, the complement: KIF7 is on the minus strand). VCF-style: chr15-89629114-C-T. GRCh37 (hg19) VCF-style: chr15-90172345-C-T.
Other names: short protein forms G1176S.
Identifiers: ClinVar variation 2091333 (VCV002091333.2), dbSNP rs76346806, ClinGen allele CA7727643.

ClinVar aggregate classification (germline): Conflicting classifications of pathogenicity. Review status: criteria provided, conflicting classifications (1 of 4 stars). 2 submissions from 2 submitters: Uncertain significance (1); Likely benign (1). Last evaluated 2022-07-11.

Conditions:
Acrocallosal syndrome (ACLS). Also called: HALLUX DUPLICATION, POSTAXIAL POLYDACTYLY, AND ABSENCE OF CORPUS CALLOSUM; Schinzel syndrome 1; Absence of corpus callosum with unusual facial appearance, mental deficiency, duplication of the halluces and polydactyly. Identifiers: Orphanet 36, MedGen C0796147, MONDO:0008708, OMIM 200990.

gnomAD v4.1: 10 of 1,607,622 alleles (0.00062%); highest among the groups gnomAD compares: Middle Eastern, 0.016%; no homozygotes.

Submissions (2):

Labcorp Genetics (formerly Invitae), Labcorp
Classification: Uncertain significance for Acrocallosal syndrome. Last evaluated: 2022-07-11. Review status: criteria provided, single submitter. Criteria: Invitae Variant Classification Sherloc (09022015). Collection method: clinical testing. Allele origin: germline.
Comment: This sequence change replaces glycine, which is neutral and non-polar, with serine, which is neutral and polar, at codon 1176 of the KIF7 protein (p.Gly1176Ser). The frequency data for this variant in the population databases is considered unreliable, as metrics indicate poor data quality at this position in the gnomAD database. This variant has not been reported in the literature in individuals affected with KIF7-related conditions. Algorithms developed to predict the effect of missense changes on protein structure and function output the following: SIFT: "Tolerated"; PolyPhen-2: "Benign"; Align-GVGD: "Class C0". The serine amino acid residue is found in multiple mammalian species, which suggests that this missense change does not adversely affect protein function. In summary, the available evidence is currently insufficient to determine the role of this variant in disease. Therefore, it has been classified as a Variant of Uncertain Significance.

Blueprint Genetics
Classification: Likely benign. Last evaluated: 2021-01-05. Review status: criteria provided, single submitter. Criteria: ACMG Guidelines, 2015. Collection method: clinical testing. Allele origin: germline.